The following is an entry in ClinVar:

NM_006254.4(PRKCD):c.180T>C (p.Asp60=)

Gene: PRKCD (protein kinase C delta; plus strand). Cytogenetic location: 3p21.1.
Variant type: single nucleotide variant.
Coding change: c.180T>C on transcript NM_006254.4 (MANE Select); coding-DNA position 180, T replaced by C.
Protein change: p.Asp60=; no amino-acid change (aspartic acid 60 retained).
Molecular consequence: synonymous variant.
Genome position (GRCh38, 1-based): chr3:53,179,641, T>C. VCF-style: chr3-53179641-T-C. GRCh37 (hg19) VCF-style: chr3-53213657-T-C.
Other names: p.Asp60=; c.180T>C, p.Asp60= (NM_001316327.2, NM_001354679.2, NM_001354680.2 and 1 more transcripts); c.237T>C, p.Asp79= (NM_001354676.2); c.228T>C, p.Asp76= (NM_001354678.2).
Identifiers: ClinVar variation 403344 (VCV000403344.18), dbSNP rs2230493, ClinGen allele CA2451701.

ClinVar aggregate classification (germline): Benign/Likely benign. Review status: criteria provided, multiple submitters, no conflicts (2 of 4 stars). 7 submissions from 7 submitters: Benign (6); Likely benign (1). Last evaluated 2026-02-04.

Conditions:
Autoimmune lymphoproliferative syndrome, type III caused by mutation in PRKCD. Identifiers: Orphanet 3261, Orphanet 664711, MedGen C3809928, MONDO:8000024, OMIM 615559.

Allele frequency attached by ClinVar (database versions not stated): 1000 Genomes Project 0.08187; 1000 Genomes Project 30x 0.08245; ExAC 0.12815; ESP Exome Variant Server 0.12963; gnomAD exomes 0.16027 and 0.12718; TOPMed 0.11659; gnomAD 0.12248 and 0.12323.
gnomAD v4.1: 252,154 of 1,613,930 alleles (16%); highest among the groups gnomAD compares: Non-Finnish European, 17%; 21,399 homozygotes.

Submissions (7):

Labcorp Genetics (formerly Invitae), Labcorp
Classification: Benign for Autoimmune lymphoproliferative syndrome, type III caused by mutation in PRKCD. Last evaluated: 2026-02-04. Review status: criteria provided, single submitter. Criteria: Invitae Variant Classification Sherloc (09022015). Collection method: clinical testing. Allele origin: germline.

Blueprint Genetics
Classification: Likely benign. Last evaluated: 2024-11-26. Review status: criteria provided, single submitter. Criteria: ACMG Guidelines, 2015. Collection method: clinical testing. Allele origin: germline.

Unidad de Genómica Garrahan, Hospital de Pediatría Garrahan
Classification: Benign. Last evaluated: 2023-11-12. Review status: criteria provided, single submitter. Criteria: ACMG Guidelines, 2015. Collection method: clinical testing. Allele origin: germline. Affected: no. Observed: 24 variant alleles.
Comment: This variant is classified as Benign based on local population frequency. This variant was detected in 25% of patients studied by a panel of primary immunodeficiencies. Number of patients: 24. Only high quality variants are reported.

GeneDx
Classification: Benign. Last evaluated: 2021-05-04. Review status: criteria provided, single submitter. Criteria: GeneDx Variant Classification Process June 2021. Collection method: clinical testing. Allele origin: germline. Affected: yes.

Mayo Clinic Laboratories, Mayo Clinic
Classification: Benign. Last evaluated: 2018-07-03. Review status: criteria provided, single submitter. Criteria: ACMG Guidelines, 2015. Collection method: clinical testing. Allele origin: germline. Observed: 236 variant alleles.

Laboratory for Molecular Medicine, Mass General Brigham Personalized Medicine
Classification: Benign. Last evaluated: 2016-03-29. Review status: criteria provided, single submitter. Criteria: LMM Criteria. Collection method: clinical testing. Allele origin: germline.
Comment: Variant identified in a genome or exome case(s) and assessed due to predicted null impact of the variant or pathogenic assertions in the literature or databases. Disclaimer: This variant has not undergone full assessment. The following are preliminary notes: Frequency

Breakthrough Genomics
Classification: Benign. Review status: criteria provided, single submitter. Criteria: ACMG Guidelines, 2015. Collection method: not provided. Allele origin: germline. Inheritance: Autosomal recessive inheritance. Affected: yes.